The following is an entry in ClinVar:

NM_152383.5(DIS3L2):c.951-6C>G

Gene: DIS3L2 (DIS3 like 3'-5' exoribonuclease 2; plus strand). Cytogenetic location: 2q37.1.
Variant type: single nucleotide variant.
Coding change: c.951-6C>G on transcript NM_152383.5 (MANE Select); 6 bases into the intron before coding-DNA position 951, C replaced by G.
Molecular consequence: intron variant.
Genome position (GRCh38, 1-based): chr2:232,163,453, C>G. VCF-style: chr2-232163453-C-G. GRCh37 (hg19) VCF-style: chr2-233028163-C-G.
Other names: c.951-6C>G (NM_001257281.2).
Identifiers: ClinVar variation 463135 (VCV000463135.11), dbSNP rs1322713450, ClinGen allele CA540312539.

ClinVar aggregate classification (germline): Likely benign. Review status: criteria provided, multiple submitters, no conflicts (2 of 4 stars). 2 submissions from 2 submitters: Likely benign (2). Last evaluated 2026-09-01.

Conditions:
DIS3L2-related disorder. Also called: DIS3L2-related condition.
Perlman syndrome (PRLMNS). Identifiers: Orphanet 2849, MedGen C0796113, MONDO:0009965, OMIM 267000.

Allele frequency attached by ClinVar (database versions not stated): gnomAD exomes below 0.00001; TOPMed below 0.00001; gnomAD 0.00001.
gnomAD v4.1: 9 of 1,613,052 alleles (0.00056%); highest among the groups gnomAD compares: Non-Finnish European, 0.00068%; no homozygotes.

Submissions (2):

PreventionGenetics, part of Exact Sciences
Classification: Likely benign for DIS3L2-related condition. Last evaluated: 2026-09-01. Review status: criteria provided, single submitter. Criteria: ACMG Guidelines, 2015. Collection method: clinical testing. Allele origin: germline.
Comment: This variant is classified as likely benign based on ACMG/AMP sequence variant interpretation guidelines (Richards et al. 2015 PMID: 25741868, with internal and published modifications).

Labcorp Genetics (formerly Invitae), Labcorp
Classification: Likely benign for Perlman syndrome. Last evaluated: 2025-01-08. Review status: criteria provided, single submitter. Criteria: Invitae Variant Classification Sherloc (09022015). Collection method: clinical testing. Allele origin: germline.